The following is an entry in ClinVar:

NM_006080.3(SEMA3A):c.47T>C (p.Leu16Pro)

Gene: SEMA3A (semaphorin 3A; minus strand). Cytogenetic location: 7q21.11.
Variant type: single nucleotide variant.
Coding change: c.47T>C on transcript NM_006080.3 (MANE Select); coding-DNA position 47, T replaced by C.
Protein change: p.Leu16Pro; replaces leucine 16 with proline.
Molecular consequence: missense variant.
Genome position (GRCh38, 1-based): chr7:84,194,540, A>G on the plus strand (T>C on the coding strand, the complement: SEMA3A is on the minus strand). VCF-style: chr7-84194540-A-G. GRCh37 (hg19) VCF-style: chr7-83823856-A-G.
Other names: short protein forms L16P.
Identifiers: ClinVar variation 3346598 (VCV003346598.1).
Genomic context (GRCh38, chr7:84,194,540, plus strand): 5'-TAGGATAATTTCAGCCTTGGCACATTGTTCTTCCCATTCTGATAGTTTGCTCTTGCTGTA[A>G]GTAATACTCCCCAGAAAAGACAGACAATCCTAGTTAACCAGCCCATGCTGCAGACGCTGT-3'
Protein context (NP_006071.1, residues 6-26): RIVCLFWGVL[Leu16Pro]TARANYQNGK

ClinVar aggregate classification (germline): Uncertain significance (0 of 4 stars; one submission).

Conditions:
SEMA3A-related disorder. Also called: SEMA3A-related condition.

Submission:

PreventionGenetics, part of Exact Sciences
Classification: Uncertain significance for SEMA3A-related condition. Last evaluated: 2024-07-29. Review status: no assertion criteria provided. Collection method: clinical testing. Allele origin: germline.
Comment: The SEMA3A c.47T>C variant is predicted to result in the amino acid substitution p.Leu16Pro. To our knowledge, this variant has not been reported in the literature or in a large population database, indicating this variant is rare. At this time, the clinical significance of this variant is uncertain due to the absence of conclusive functional and genetic evidence.